The following is an entry in ClinVar:

ClinVar aggregate classification (germline): Likely benign. Review status: criteria provided, multiple submitters, no conflicts (2 of 4 stars). 4 submissions from 4 submitters: Likely benign (4). Last evaluated 2025-12-20.

Conditions:
TACO1-related disorder. Also called: TACO1-related condition.

Allele frequency attached by ClinVar (database versions not stated): 1000 Genomes Project 30x 0.00016; 1000 Genomes Project 0.00020; gnomAD 0.00086; ESP Exome Variant Server 0.00100; TOPMed 0.00107.

Submissions (4):

Labcorp Genetics (formerly Invitae), Labcorp
Classification: Likely benign. Last evaluated: 2025-12-20. Review status: criteria provided, single submitter. Criteria: Invitae Variant Classification Sherloc (09022015). Collection method: clinical testing. Allele origin: germline.

PreventionGenetics, part of Exact Sciences
Classification: Likely benign for TACO1-related condition. Last evaluated: 2025-07-23. Review status: criteria provided, single submitter. Criteria: ACMG Guidelines, 2015. Collection method: clinical testing. Allele origin: germline.
Comment: This variant is classified as likely benign based on ACMG/AMP sequence variant interpretation guidelines (Richards et al. 2015 PMID: 25741868, with internal and published modifications).

Mayo Clinic Laboratories, Mayo Clinic
Classification: Likely benign. Last evaluated: 2025-04-23. Review status: criteria provided, single submitter. Criteria: ACMG Guidelines, 2015. Collection method: clinical testing. Allele origin: germline. Observed: 1 variant allele.
Comment: BS1, BP4

GeneDx
Classification: Likely benign. Last evaluated: 2021-08-13. Review status: criteria provided, single submitter. Criteria: GeneDx Variant Classification Process June 2021. Collection method: clinical testing. Allele origin: germline. Affected: yes.

NM_016360.4(TACO1):c.887T>C (p.Ile296Thr)

Gene: TACO1 (translational activator of cytochrome c oxidase I; plus strand). Cytogenetic location: 17q23.3.
Variant type: single nucleotide variant.
Coding change: c.887T>C on transcript NM_016360.4 (MANE Select); coding-DNA position 887, T replaced by C.
Protein change: p.Ile296Thr; replaces isoleucine 296 with threonine.
Molecular consequence: missense variant.
Genome position (GRCh38, 1-based): chr17:63,607,995, T>C. VCF-style: chr17-63607995-T-C. GRCh37 (hg19) VCF-style: chr17-61685355-T-C.
Other names: p.Ile296Thr; short protein forms I296T.
Identifiers: ClinVar variation 734205 (VCV000734205.13), dbSNP rs138054881, ClinGen allele CA8702255.
Genomic context (GRCh38, chr17:63,607,995, plus strand): 5'-CCGCACATCTCATTCAGGCTCTCAGCAACCACGAGGATGTGATTCACGTCTATGATAACA[T>C]TGAATAACCAGGCTACATGTGCCCCCGGGTTCCTTCCTAGAAATGTGGCAGCCCATTCCA-3'
Protein context (NP_057444.2, residues 286-297): HEDVIHVYDN[Ile296Thr]E